The following is an entry in ClinVar:

NM_001100.4(ACTA1):c.109G>T (p.Val37Leu)

Gene: ACTA1 (actin alpha 1, skeletal muscle; minus strand). Cytogenetic location: 1q42.13.
Variant type: single nucleotide variant.
Coding change: c.109G>T on transcript NM_001100.4 (MANE Select); coding-DNA position 109, G replaced by T.
Protein change: p.Val37Leu; replaces valine 37 with leucine.
Molecular consequence: missense variant.
Genome position (GRCh38, 1-based): chr1:229,433,007, C>A on the plus strand (G>T on the coding strand, the complement: ACTA1 is on the minus strand). VCF-style: chr1-229433007-C-A. GRCh37 (hg19) VCF-style: chr1-229568754-C-A.
Other names: NM_001100.4(ACTA1):c.109G>T; p.Val37Leu; short protein forms V37L.
Identifiers: ClinVar variation 464114 (VCV000464114.15), dbSNP rs1553255521, ClinGen allele CA345151305.

ClinVar aggregate classification (germline): Pathogenic. Review status: reviewed by expert panel (3 of 4 stars). 5 submissions from 5 submitters: Pathogenic (1). 4 of the submissions do not count toward it. Last evaluated 2024-08-27.

Conditions:
Actin accumulation myopathy (CMYO2A). Also called: Nemaline myopathy type 3; Myopathy, actin, congenital, with excess of thin myofilaments; Myopathy, actin, congenital, with cores; Nemaline myopathy 3, with intranuclear rods; CONGENITAL MYOPATHY 2A, TYPICAL, AUTOSOMAL DOMINANT. Identifiers: Orphanet 98904, MedGen C3711389, MONDO:0008070, OMIM 161800.
Alpha-actinopathy. Also called: Actinopathy. Identifiers: MedGen CN295279, MONDO:0100084.

Submissions (5):

ClinGen Congenital Myopathies Variant Curation Expert Panel, ClinGen
Classification: Pathogenic for Alpha-actinopathy. Last evaluated: 2024-08-27. Review status: reviewed by expert panel. Criteria: ClinGen CongenMyopathy ACMG Specifications ACTA1_AD_ V2.0.0. Collection method: curation. Allele origin: germline. Inheritance: Autosomal dominant inheritance.
Comment: The NM_001100.4(ACTA1):c.109G>T variant in ACTA1 is a missense variant predicted to cause substitution of valine by leucine at amino acid 37 (legacy nomenclature: p.Val35Leu). This variant is absent from gnomAD v4.1.0 (PM2_Supporting). The computational predictor REVEL gives a score of 0.881, which is above the threshold of 0.7, evidence that correlates with impact to ACTA1 function (PP3). ACTA1, in which the variant was identified, is defined by the ClinGen Congenital Myopathies VCEP as a gene that has a low rate of benign missense variation and where pathogenic missense variants are a common mechanism of disease (PP2). Three other variants occur at the same residue (c.110T>C (p.V37A); c.110T>G (p.V37G)) with c.109G>C (p.V37L) occurring at the same nucleotide (PM5_Strong). This variant has occurred de novo in one individual with nemaline myopathy, hypotonia, respiratory distress, and cardiac arrest (PS2; PMID:28973083, Baylor Genetics, SCV000807332.1). In summary, this variant meets the criteria to be classified as pathogenic for autosomal dominant alpha-actinopathy based on the ACMG/AMP criteria applied, as specified by the ClinGen Congenital Myopathies VCEP: PS2, PM5_Strong, PM2_Supporting, PP2, PP3 (ClinGen Congenital Myopathies VCEP specifications version 2; 08/27/2024).

GeneDx
Classification: Likely pathogenic. Last evaluated: 2024-01-12. Review status: criteria provided, single submitter. Criteria: GeneDx Variant Classification Process June 2021. Collection method: clinical testing. Allele origin: germline. Affected: yes. Not counted in ClinVar's aggregate classification.
Comment: Missense variants in this gene are a common cause of disease and they are underrepresented in the general population; In silico analysis supports that this missense variant does not alter protein structure/function; This variant is associated with the following publications: (PMID: 19562689, 22759684, 23394784, 25326635, 35081925, 28973083, 12921789, 15236405)

Pediatric Department, Peking University First Hospital
Classification: Pathogenic for Actin accumulation myopathy. Last evaluated: 2020-04-11. Review status: criteria provided, single submitter. Criteria: ACMG Guidelines, 2015. Collection method: provider interpretation. Allele origin: de novo. Affected: yes. Not counted in ClinVar's aggregate classification.

Baylor Genetics
Classification: Pathogenic for Actin accumulation myopathy. Last evaluated: 2017-09-01. Review status: criteria provided, single submitter. Criteria: ACMG Guidelines, 2015. Collection method: clinical testing. Allele origin: de novo. Inheritance: Autosomal dominant inheritance. Affected: yes. Not counted in ClinVar's aggregate classification.
Comment: This mutation has been previously described as disease-causing in the literature, as has another mutation causing the same amino acid substitution.

Labcorp Genetics (formerly Invitae), Labcorp
Classification: Pathogenic for Actin accumulation myopathy. Last evaluated: 2017-05-27. Review status: criteria provided, single submitter. Criteria: Invitae Variant Classification Sherloc (09022015). Collection method: clinical testing. Allele origin: germline. Not counted in ClinVar's aggregate classification.
Comment: In summary, this variant is a rare missense change that has been reported in multiple affected individuals. For these reasons, it has been classified as Pathogenic. This variant has been reported in an individual affected with nemaline myopathy (PMID: 19562689, 23394784). Algorithms developed to predict the effect of missense changes on protein structure and function do not agree on the potential impact of this missense change (SIFT: "Deleterious"; PolyPhen-2: "Possibly Damaging"; Align-GVGD: "Class C0"). A different nucleotide change (c.109G>C) that produces the same amino acid change as this variant (p.Val37Leu) has been reported in multiple individuals affected with nemaline myopathy (PMID: 19562689, 12921789, 15236405). In 2 of these cases this variant was reported to arise de novo (PMID: 19562689, 12921789, 15236405). The c.109G>C sequence change has also been reported as p.Val35Leu. This variant is not present in population databases (ExAC no frequency). This sequence change replaces valine with leucine at codon 37 of the ACTA1 protein (p.Val37Leu). The valine residue is highly conserved and there is a small physicochemical difference between valine and leucine.

Literature cited by the submitters: PubMed 19562689 (cited by Baylor Genetics and Labcorp Genetics (formerly Invitae), Labcorp); PubMed 12921789 (cited by Baylor Genetics and Labcorp Genetics (formerly Invitae), Labcorp); PubMed 15236405 (cited by Baylor Genetics and Labcorp Genetics (formerly Invitae), Labcorp); PubMed 25326635 (cited by Baylor Genetics); PubMed 23394784 (cited by Labcorp Genetics (formerly Invitae), Labcorp).